The following is an entry in ClinVar:

ClinVar aggregate classification (germline): Conflicting classifications of pathogenicity. Review status: criteria provided, conflicting classifications (1 of 4 stars). 3 submissions from 3 submitters: Uncertain significance (2); Likely benign (1). Last evaluated 2026-01-22.

Conditions:
Autosomal recessive limb-girdle muscular dystrophy type 2D (LGMDR3). Also called: ADHALINOPATHY, PRIMARY; MUSCULAR DYSTROPHY, LIMB-GIRDLE, AUTOSOMAL RECESSIVE 3; DUCHENNE-LIKE AUTOSOMAL RECESSIVE MUSCULAR DYSTROPHY, TYPE 2. Identifiers: Orphanet 62, MedGen C2936332, MONDO:0011968, OMIM 608099. Disease mechanism: Affects gamma-sarcoglycan and also disrupts the integrity of the entire sarcoglycan complex..

Allele frequency attached by ClinVar (database versions not stated): gnomAD exomes 0.00005; gnomAD 0.00013; TOPMed 0.00014; ExAC 0.00017; ESP Exome Variant Server 0.00031.
gnomAD v4.1: 82 of 1,560,020 alleles (0.0053%); highest among the groups gnomAD compares: African/African-American, 0.029%; no homozygotes.

Submissions (3):

Labcorp Genetics (formerly Invitae), Labcorp
Classification: Likely benign for Autosomal recessive limb-girdle muscular dystrophy type 2D. Last evaluated: 2026-01-22. Review status: criteria provided, single submitter. Criteria: Invitae Variant Classification Sherloc (09022015). Collection method: clinical testing. Allele origin: germline.

Genome-Nilou Lab
Classification: Uncertain significance for Autosomal recessive limb-girdle muscular dystrophy type 2D. Last evaluated: 2021-07-22. Review status: criteria provided, single submitter. Criteria: ACMG Guidelines, 2015. Collection method: clinical testing. Allele origin: germline. Affected: no.

GeneDx
Classification: Uncertain significance. Last evaluated: 2016-11-23. Review status: criteria provided, single submitter. Criteria: GeneDx Variant Classification (06012015). Collection method: clinical testing. Allele origin: germline. Affected: yes.
Comment: The c.981 C>T variant has not been published as a pathogenic variant, nor has it been reported as a benign variant to our knowledge. It was not observed with any significant frequency in approximately 6,500 individuals of European and African American ancestry in the NHLBI Exome Sequencing Project. This nucleotide change results in a synonymous amino acid substitution at a position that it not conserved. Multiple in-silico splice prediction models predict c.981 C>T may reduce the strength of the natural splice donor site in intron 8 and lead to abnormal gene splicing. However, in the absence of RNA/functional studies, the actual effect of this sequence change is unknown.

NM_000023.4(SGCA):c.981C>T (p.Ser327=)

Gene: SGCA (sarcoglycan alpha; plus strand). Cytogenetic location: 17q21.33.
Variant type: single nucleotide variant.
Coding change: c.981C>T on transcript NM_000023.4 (MANE Select); coding-DNA position 981, C replaced by T.
Protein change: p.Ser327=; no amino-acid change (serine 327 retained).
Molecular consequence: synonymous variant. On other transcripts: non-coding transcript variant (1).
Genome position (GRCh38, 1-based): chr17:50,170,664, C>T. VCF-style: chr17-50170664-C-T. GRCh37 (hg19) VCF-style: chr17-48248025-C-T.
Other names: c.609C>T, p.Ser203= (NM_001135697.3).
Identifiers: ClinVar variation 373223 (VCV000373223.17), dbSNP rs368522117, ClinGen allele CA8643978.